The following is an entry in ClinVar:

NM_000088.4(COL1A1):c.1139G>C (p.Gly380Ala)

Gene: COL1A1 (collagen type I alpha 1 chain; minus strand). Cytogenetic location: 17q21.33.
Variant type: single nucleotide variant.
Coding change: c.1139G>C on transcript NM_000088.4 (MANE Select); coding-DNA position 1139, G replaced by C.
Protein change: p.Gly380Ala; replaces glycine 380 with alanine.
Molecular consequence: missense variant.
Genome position (GRCh38, 1-based): chr17:50,195,583, C>G on the plus strand (G>C on the coding strand, the complement: COL1A1 is on the minus strand). VCF-style: chr17-50195583-C-G. GRCh37 (hg19) VCF-style: chr17-48272944-C-G.
Other names: short protein forms G380A.
Identifiers: ClinVar variation 1396116 (VCV001396116.8), dbSNP rs72648314, ClinGen allele CA400219607.

ClinVar aggregate classification (germline): Pathogenic (1 of 4 stars; one submission).

Conditions:
Osteogenesis imperfecta type I (OI1). Also called: OI, TYPE I; OSTEOGENESIS IMPERFECTA TARDA; OSTEOGENESIS IMPERFECTA WITH BLUE SCLERAE; Osteogenesis imperfecta type 1; Lobstein disease; Classic Non-deforming Osteogenesis Imperfecta with Blue Sclerae. Identifiers: Orphanet 216796, Orphanet 666, MedGen C0023931, MONDO:0008146, OMIM 166200. Disease mechanism: loss of function.

Submission:

Labcorp Genetics (formerly Invitae), Labcorp
Classification: Pathogenic for Osteogenesis imperfecta type I. Last evaluated: 2020-12-27. Review status: criteria provided, single submitter. Criteria: Invitae Variant Classification Sherloc (09022015). Collection method: clinical testing. Allele origin: germline.
Comment: For these reasons, this variant has been classified as Pathogenic. This variant disrupts the p.Gly380 amino acid residue in COL1A1. Other variant(s) that disrupt this residue have been observed in individuals with COL1A1-related conditions (PMID: 24668929, 17078022), which suggests that this may be a clinically significant amino acid residue. This variant disrupts the triple helix domain of COL1A1. Glycine residues within the Gly-Xaa-Yaa repeats of the triple helix domain are required for the structure and stability of fibrillar collagens (PMID: 7695699, 8218237, 19344236). In COL1A1, variants affecting these glycine residues are significantly enriched in individuals with disease (PMID: 9016532, 17078022) compared to the general population (ExAC). Advanced modeling of protein sequence and biophysical properties (such as structural, functional, and spatial information, amino acid conservation, physicochemical variation, residue mobility, and thermodynamic stability) performed at Invitae indicates that this missense variant is expected to disrupt COL1A1 protein function. This variant has not been reported in the literature in individuals with COL1A1-related conditions. This variant is not present in population databases (ExAC no frequency). This sequence change replaces glycine with alanine at codon 380 of the COL1A1 protein (p.Gly380Ala). The glycine residue is highly conserved and there is a small physicochemical difference between glycine and alanine.

Literature cited by the submitters: PubMed 24668929; PubMed 17078022; PubMed 7695699; PubMed 8218237; PubMed 19344236; PubMed 9016532.